The following is an entry in ClinVar:

NM_001447.3(FAT2):c.10436C>T (p.Pro3479Leu)

Genes: FAT2 (FAT atypical cadherin 2; minus strand), SLC36A1 (solute carrier family 36 member 1; plus strand). Cytogenetic location: 5q33.1.
Variant type: single nucleotide variant.
Coding change: c.10436C>T on transcript NM_001447.3 (MANE Select); coding-DNA position 10436, C replaced by T.
Protein change: p.Pro3479Leu; replaces proline 3479 with leucine.
Molecular consequence: missense variant.
Genome position (GRCh38, 1-based): chr5:151,525,838, G>A on the plus strand (C>T on the coding strand, the complement: FAT2 is on the minus strand). VCF-style: chr5-151525838-G-A. GRCh37 (hg19) VCF-style: chr5-150905399-G-A.
Other names: short protein forms P3479L.
Identifiers: ClinVar variation 2184020 (VCV002184020.1), dbSNP rs372161810, ClinGen allele CA3520253.

ClinVar aggregate classification (germline): Uncertain significance (1 of 4 stars; one submission).

Allele frequency attached by ClinVar (database versions not stated): ExAC 0.00003; gnomAD 0.00003; ESP Exome Variant Server 0.00008.
gnomAD v4.1: 129 of 1,613,870 alleles (0.008%); highest among the groups gnomAD compares: Admixed American, 0.013%; no homozygotes.

Submission:

Labcorp Genetics (formerly Invitae), Labcorp
Classification: Uncertain significance. Last evaluated: 2022-03-04. Review status: criteria provided, single submitter. Criteria: Invitae Variant Classification Sherloc (09022015). Collection method: clinical testing. Allele origin: germline.
Comment: This sequence change replaces proline, which is neutral and non-polar, with leucine, which is neutral and non-polar, at codon 3479 of the FAT2 protein (p.Pro3479Leu). This variant is present in population databases (rs372161810, gnomAD 0.01%). This variant has not been reported in the literature in individuals affected with FAT2-related conditions. Algorithms developed to predict the effect of missense changes on protein structure and function (SIFT, PolyPhen-2, Align-GVGD) all suggest that this variant is likely to be tolerated. In summary, the available evidence is currently insufficient to determine the role of this variant in disease. Therefore, it has been classified as a Variant of Uncertain Significance.